The following is an entry in ClinVar:

ClinVar aggregate classification (germline): Uncertain significance (1 of 4 stars; one submission).

Allele frequency attached by ClinVar (database versions not stated): TOPMed below 0.00001; gnomAD exomes 0.00001.

Submission:

Labcorp Genetics (formerly Invitae), Labcorp
Classification: Uncertain significance. Last evaluated: 2023-08-24. Review status: criteria provided, single submitter. Criteria: Invitae Variant Classification Sherloc (09022015). Collection method: clinical testing. Allele origin: germline.
Comment: In summary, the available evidence is currently insufficient to determine the role of this variant in disease. Therefore, it has been classified as a Variant of Uncertain Significance. Advanced modeling of protein sequence and biophysical properties (such as structural, functional, and spatial information, amino acid conservation, physicochemical variation, residue mobility, and thermodynamic stability) has been performed at Invitae for this missense variant, however the output from this modeling did not meet the statistical confidence thresholds required to predict the impact of this variant on LCA5 protein function. ClinVar contains an entry for this variant (Variation ID: 1387303). This variant has not been reported in the literature in individuals affected with LCA5-related conditions. This variant is not present in population databases (gnomAD no frequency). This sequence change replaces glutamic acid, which is acidic and polar, with lysine, which is basic and polar, at codon 459 of the LCA5 protein (p.Glu459Lys).

NM_001122769.3(LCA5):c.1375G>A (p.Glu459Lys)

Gene: LCA5 (lebercilin LCA5; minus strand). Cytogenetic location: 6q14.1.
Variant type: single nucleotide variant.
Coding change: c.1375G>A on transcript NM_001122769.3 (MANE Select); coding-DNA position 1375, G replaced by A.
Protein change: p.Glu459Lys; replaces glutamic acid 459 with lysine.
Molecular consequence: missense variant.
Genome position (GRCh38, 1-based): chr6:79,487,723, C>T on the plus strand (G>A on the coding strand, the complement: LCA5 is on the minus strand). VCF-style: chr6-79487723-C-T. GRCh37 (hg19) VCF-style: chr6-80197440-C-T.
Other names: c.1375G>A, p.Glu459Lys (NM_181714.4); short protein forms E459K.
Identifiers: ClinVar variation 1387303 (VCV001387303.6), dbSNP rs1769710277, ClinGen allele CA364641037.